The following is an entry in ClinVar:

ClinVar aggregate classification (germline): Uncertain significance (1 of 4 stars; one submission).

Allele frequency attached by ClinVar (database versions not stated): TOPMed below 0.00001; gnomAD 0.00001 and 0.00002.

Submission:

Labcorp Genetics (formerly Invitae), Labcorp
Classification: Uncertain significance. Last evaluated: 2020-06-26. Review status: criteria provided, single submitter. Criteria: Invitae Variant Classification Sherloc (09022015). Collection method: clinical testing. Allele origin: germline.
Comment: In summary, the available evidence is currently insufficient to determine the role of this variant in disease. Therefore, it has been classified as a Variant of Uncertain Significance. Algorithms developed to predict the effect of missense changes on protein structure and function are either unavailable or do not agree on the potential impact of this missense change (SIFT: "Deleterious"; PolyPhen-2: "Benign"; Align-GVGD: "Class C35"). This variant has not been reported in the literature in individuals with RBP3-related conditions. This variant is not present in population databases (ExAC no frequency). This sequence change replaces valine with glycine at codon 34 of the RBP3 protein (p.Val34Gly). The valine residue is moderately conserved and there is a moderate physicochemical difference between valine and glycine.

NM_002900.3(RBP3):c.101T>G (p.Val34Gly)

Gene: RBP3 (retinol binding protein 3; plus strand). Cytogenetic location: 10q11.22.
Variant type: single nucleotide variant.
Coding change: c.101T>G on transcript NM_002900.3 (MANE Select); coding-DNA position 101, T replaced by G.
Protein change: p.Val34Gly; replaces valine 34 with glycine.
Molecular consequence: missense variant.
Genome position (GRCh38, 1-based): chr10:47,348,585, T>G. VCF-style: chr10-47348585-T-G. GRCh37 (hg19) VCF-style: chr10-48390777-A-C.
Other names: short protein forms V34G.
Identifiers: ClinVar variation 1001707 (VCV001001707.8), dbSNP rs1555210859, ClinGen allele CA376664007.